The following is an entry in ClinVar:

NM_000268.4(NF2):c.318A>G (p.Glu106=)

Gene: NF2 (NF2, moesin-ezrin-radixin like (MERLIN) tumor suppressor; plus strand). Cytogenetic location: 22q12.2.
Variant type: single nucleotide variant.
Coding change: c.318A>G on transcript NM_000268.4 (MANE Select); coding-DNA position 318, A replaced by G.
Protein change: p.Glu106=; no amino-acid change (glutamic acid 106 retained).
Molecular consequence: synonymous variant. On other transcripts: non-coding transcript variant (1), intron variant (3).
Genome position (GRCh38, 1-based): chr22:29,639,167, A>G. VCF-style: chr22-29639167-A-G. GRCh37 (hg19) VCF-style: chr22-30035156-A-G.
Other names: c.318A>G, p.Glu106= (NM_016418.5, NM_181825.3, NM_181832.3 and 1 more transcripts); c.192A>G, p.Glu64= (NM_181828.3); c.240+2291A>G (NM_181829.3); c.115-3035A>G (NM_181830.3, NM_181831.3).
Identifiers: ClinVar variation 1127895 (VCV001127895.12), dbSNP rs535626069, ClinGen allele CA323121196.

ClinVar aggregate classification (germline): Likely benign. Review status: criteria provided, multiple submitters, no conflicts (2 of 4 stars). 3 submissions from 3 submitters: Likely benign (3). Last evaluated 2023-08-18.

Conditions:
Hereditary cancer-predisposing syndrome. Also called: Tumor predisposition; Hereditary Cancer Syndrome; Hereditary neoplastic syndrome; Neoplastic Syndromes, Hereditary. Identifiers: Orphanet 140162, MedGen C0027672, MeSH D009386, MONDO:0015356.
Neurofibromatosis, type 2 (SWNV). Also called: BILATERAL ACOUSTIC NEUROFIBROMATOSIS; NF2-Related Schwannomatosis; SCHWANNOMATOSIS, VESTIBULAR. Identifiers: Orphanet 637, MedGen C0027832, MONDO:0007039, OMIM 101000. Disease mechanism: loss of function.

Allele frequency attached by ClinVar (database versions not stated): gnomAD exomes below 0.00001; gnomAD 0.00001; TOPMed 0.00001; 1000 Genomes Project 30x 0.00016; 1000 Genomes Project 0.00020.

Submissions (3):

Labcorp Genetics (formerly Invitae), Labcorp
Classification: Likely benign for Neurofibromatosis, type 2. Last evaluated: 2023-08-18. Review status: criteria provided, single submitter. Criteria: Invitae Variant Classification Sherloc (09022015). Collection method: clinical testing. Allele origin: germline.

All of Us Research Program, National Institutes of Health
Classification: Likely benign for Neurofibromatosis, type 2. Last evaluated: 2023-03-23. Review status: criteria provided, single submitter. Criteria: ACMG Guidelines, 2015. Collection method: clinical testing. Allele origin: germline. Inheritance: Autosomal dominant inheritance. Observed: 1 variant allele, 1 heterozygote.
Comment: This study involves interpretation of variants in research participants for the purpose of population health screening. Participant phenotype was not available at the time of variant classification. Additional details can be found in publication PMID: 35346344, PMCID: PMC8962531

Ambry Genetics
Classification: Likely benign for Hereditary cancer-predisposing syndrome. Last evaluated: 2019-05-30. Review status: criteria provided, single submitter. Criteria: Ambry Variant Classification Scheme 2023. Collection method: clinical testing. Allele origin: germline.